The following is an entry in ClinVar:

NM_000321.3(RB1):c.300A>T (p.Gly100=)

Gene: RB1 (RB transcriptional corepressor 1; plus strand). Cytogenetic location: 13q14.2.
Variant type: single nucleotide variant.
Coding change: c.300A>T on transcript NM_000321.3 (MANE Select); coding-DNA position 300, A replaced by T.
Protein change: p.Gly100=; no amino-acid change (glycine 100 retained).
Molecular consequence: synonymous variant.
Genome position (GRCh38, 1-based): chr13:48,342,634, A>T. VCF-style: chr13-48342634-A-T. GRCh37 (hg19) VCF-style: chr13-48916770-A-T.
Other names: c.300A>T, p.Gly100= (NM_001407165.1, NM_001407166.1).
Identifiers: ClinVar variation 4842595 (VCV004842595.2).
Genomic context (GRCh38, chr13:48,342,634, plus strand): 5'-TTTGATCTTTATTTTTTGTTCCCAGGGAGGTTATATTCAAAAGAAAAAGGAACTGTGGGG[A>T]ATCTGTATCTTTATTGCAGCAGTTGACCTAGATGAGATGTCGTTCACTTTTACTGAGCTA-3'
Protein context (NP_000312.2, residues 90-110): GYIQKKKELW[Gly100=]ICIFIAAVDL

ClinVar aggregate classification (germline): Benign/Likely benign. Review status: criteria provided, multiple submitters, no conflicts (2 of 4 stars). 2 submissions from 2 submitters: Benign (1); Likely benign (1). Last evaluated 2026-06-23.

Conditions:
Retinoblastoma (RB1). Also called: RETINOBLASTOMA, SOMATIC. Identifiers: Orphanet 790, MedGen C0035335, MeSH D012175, MONDO:0008380, OMIM 180200, HP:0009919. Disease mechanism: loss of function. Inheritance: Both sporadic and heritable forms are tested..
Hereditary cancer-predisposing syndrome. Also called: Neoplastic Syndromes, Hereditary; Tumor predisposition; Hereditary neoplastic syndrome; Hereditary Cancer Syndrome. Identifiers: Orphanet 140162, MedGen C0027672, MeSH D009386, MONDO:0015356.

Submissions (2):

Myriad Genetics, Inc.
Classification: Benign for Retinoblastoma. Last evaluated: 2026-06-23. Review status: criteria provided, single submitter. Criteria: Myriad Autosomal Dominant, Autosomal Recessive and X-Linked Classification Criteria (2023). Collection method: clinical testing. Allele origin: unknown.
Comment: This variant is considered benign. This variant is a silent/synonymous amino acid change and it is not expected to impact splicing.

Ambry Genetics
Classification: Likely benign for Hereditary cancer-predisposing syndrome. Last evaluated: 2025-12-17. Review status: criteria provided, single submitter. Criteria: Ambry Variant Classification Scheme 2023. Collection method: clinical testing. Allele origin: germline.